The following is an entry in ClinVar:

NM_001267550.2(TTN):c.88204C>T (p.Gln29402Ter)

Genes: TTN-AS1 (TTN antisense RNA 1; plus strand), TTN (titin; minus strand). Cytogenetic location: 2q31.2.
Variant type: single nucleotide variant.
Coding change: c.88204C>T on transcript NM_001267550.2 (MANE Select); coding-DNA position 88204, C replaced by T.
Protein change: p.Gln29402Ter; replaces glutamine 29402 with a stop codon.
Molecular consequence: nonsense.
Genome position (GRCh38, 1-based): chr2:178,556,950, G>A on the plus strand (C>T on the coding strand, the complement: TTN is on the minus strand). VCF-style: chr2-178556950-G-A. GRCh37 (hg19) VCF-style: chr2-179421677-G-A.
Other names: c.83281C>T, p.Gln27761Ter (NM_001256850.1); c.61009C>T, p.Gln20337Ter (NM_003319.4); c.80500C>T, p.Gln26834Ter (NM_133378.4); c.61384C>T, p.Gln20462Ter (NM_133432.3); c.61585C>T, p.Gln20529Ter (NM_133437.4); c.88204C>T (NM_001267550.1); short protein forms Q20462*, Q20529*, Q27761*, Q26834*, Q29402*, Q20337*.
Identifiers: ClinVar variation 961161 (VCV000961161.5), dbSNP rs1701741963, ClinGen allele CA349530865.

ClinVar aggregate classification (germline): Likely pathogenic. Review status: criteria provided, multiple submitters, no conflicts (2 of 4 stars). 3 submissions from 3 submitters: Likely pathogenic (3). Last evaluated 2025-12-09.

Conditions:
Dilated cardiomyopathy 1G (CMD1G). Identifiers: Orphanet 154, MedGen C1858763, MONDO:0011400, OMIM 604145.
Autosomal recessive limb-girdle muscular dystrophy type 2J (LGMDR10). Also called: Limb-girdle muscular dystrophy, type 2J; MUSCULAR DYSTROPHY, LIMB-GIRDLE, AUTOSOMAL RECESSIVE 10. Identifiers: Orphanet 140922, MedGen C1837342, MONDO:0012127, OMIM 608807.

Submissions (3):

Labcorp Genetics (formerly Invitae), Labcorp
Classification: Likely pathogenic for Dilated cardiomyopathy 1G; Autosomal recessive limb-girdle muscular dystrophy type 2J. Last evaluated: 2025-12-09. Review status: criteria provided, single submitter. Criteria: Invitae Variant Classification Sherloc (09022015). Collection method: clinical testing. Allele origin: germline.
Comment: This sequence change creates a premature translational stop signal (p.Gln29402*) in the TTN gene. While this is not anticipated to result in nonsense mediated decay, it is expected to create a truncated TTN protein. This variant is not present in population databases (gnomAD no frequency). This variant has not been reported in the literature in individuals affected with TTN-related conditions. ClinVar contains an entry for this variant (Variation ID: 961161). This variant is located in the A band of TTN (PMID: 25589632). Truncating variants in this region are significantly overrepresented in patients affected with dilated cardiomyopathy (PMID: 25589632). Truncating variants in this region have also been reported in individuals affected with autosomal recessive centronuclear myopathy (PMID: 23975875). In summary, the currently available evidence indicates that the variant is pathogenic, but additional data are needed to prove that conclusively. Therefore, this variant has been classified as Likely Pathogenic.

Revvity Omics, Revvity
Classification: Likely pathogenic. Last evaluated: 2023-06-28. Review status: criteria provided, single submitter. Criteria: ACMG Guidelines, 2015. Collection method: clinical testing. Allele origin: germline.

GeneDx
Classification: Likely pathogenic. Last evaluated: 2023-01-03. Review status: criteria provided, single submitter. Criteria: GeneDx Variant Classification Process June 2021. Collection method: clinical testing. Allele origin: germline. Affected: yes.
Comment: Nonsense variant predicted to result in protein truncation or nonsense mediated decay in a gene for which loss of function is a known mechanism of disease; Not observed at significant frequency in large population cohorts (gnomAD); Has not been previously published as pathogenic or benign to our knowledge; Located in the A-band region of TTN in which the majority of loss of function variants have been associated with autosomal dominant titinopathies (Herman et al., 2012); This variant is associated with the following publications: (PMID: 22335739)

Literature cited by the submitters: PubMed 25589632 (cited by Labcorp Genetics (formerly Invitae), Labcorp); PubMed 23975875 (cited by Labcorp Genetics (formerly Invitae), Labcorp).